The following is an entry in ClinVar:

NM_025114.4(CEP290):c.2217+6A>G

Gene: CEP290 (centrosomal protein 290; minus strand). Cytogenetic location: 12q21.32.
Variant type: single nucleotide variant.
Coding change: c.2217+6A>G on transcript NM_025114.4 (MANE Select); 6 bases into the intron after coding-DNA position 2217, A replaced by G.
Molecular consequence: intron variant.
Genome position (GRCh38, 1-based): chr12:88,111,688, T>C on the plus strand (A>G on the coding strand, the complement: CEP290 is on the minus strand). VCF-style: chr12-88111688-T-C. GRCh37 (hg19) VCF-style: chr12-88505465-T-C.
Identifiers: ClinVar variation 385680 (VCV000385680.13), dbSNP rs139027723, ClinGen allele CA6712383.

ClinVar aggregate classification (germline): Likely benign. Review status: criteria provided, multiple submitters, no conflicts (2 of 4 stars). 3 submissions from 3 submitters: Likely benign (3). Last evaluated 2026-01-28.

Conditions:
Nephronophthisis. Also called: Juvenile Nephronophthisis. Identifiers: Orphanet 655, MedGen C0687120, MONDO:0019005, HP:0000090.
Meckel-Gruber syndrome. Also called: GRUBER SYNDROME; Dysencephalia splachnocystica; DYSENCEPHALIA SPLANCHNOCYSTICA. Identifiers: Orphanet 564, MedGen C0265215, MONDO:0018921.
Joubert syndrome. Also called: JOUBERT-BOLTSHAUSER SYNDROME; Familial aplasia of the vermis. Identifiers: Orphanet 475, MedGen C5979921, MONDO:0018772.

Allele frequency attached by ClinVar (database versions not stated): gnomAD exomes 0.00002 and 0.00012; gnomAD 0.00004; TOPMed 0.00006; ExAC 0.00014; 1000 Genomes Project 0.00020; 1000 Genomes Project 30x 0.00031.
gnomAD v4.1: 32 of 1,558,468 alleles (0.0021%); highest among the groups gnomAD compares: Admixed American, 0.067%; 1 homozygote.

Submissions (3):

Labcorp Genetics (formerly Invitae), Labcorp
Classification: Likely benign for Joubert syndrome; Meckel-Gruber syndrome; Nephronophthisis. Last evaluated: 2026-01-28. Review status: criteria provided, single submitter. Criteria: Invitae Variant Classification Sherloc (09022015). Collection method: clinical testing. Allele origin: germline.

Blueprint Genetics
Classification: Likely benign. Last evaluated: 2022-10-28. Review status: criteria provided, single submitter. Criteria: ACMG Guidelines, 2015. Collection method: clinical testing. Allele origin: germline.

GeneDx
Classification: Likely benign. Last evaluated: 2016-04-29. Review status: criteria provided, single submitter. Criteria: GeneDx Variant Classification (06012015). Collection method: clinical testing. Allele origin: germline. Affected: yes.
Comment: This variant is considered likely benign or benign based on one or more of the following criteria: it is a conservative change, it occurs at a poorly conserved position in the protein, it is predicted to be benign by multiple in silico algorithms, and/or has population frequency not consistent with disease.